The following is an entry in ClinVar:

ClinVar aggregate classification (germline): Likely pathogenic (1 of 4 stars; one submission).

Conditions:
Focal segmental glomerulosclerosis 7 (FSGS7). Identifiers: Orphanet 656, MedGen C4014925, MONDO:0014451, OMIM 616002.

Submission:

UAEU Genomics Laboratory, United Arab Emirates University
Classification: Likely pathogenic for Focal segmental glomerulosclerosis 7. Last evaluated: 2024-01-22. Review status: criteria provided, single submitter. Criteria: ACMG Guidelines, 2015. Collection method: research. Allele origin: germline. Affected: yes. Observed: 1 variant allele.
Comment: PM2 PM1 PP3_Strong PM5_Supporting

NM_000278.5(PAX2):c.215A>G (p.Tyr72Cys)

Gene: PAX2 (paired box 2; plus strand). Cytogenetic location: 10q24.31.
Variant type: single nucleotide variant.
Coding change: c.215A>G on transcript NM_000278.5 (MANE Select); coding-DNA position 215, A replaced by G.
Protein change: p.Tyr72Cys; replaces tyrosine 72 with cysteine.
Molecular consequence: missense variant.
Genome position (GRCh38, 1-based): chr10:100,750,696, A>G. VCF-style: chr10-100750696-A-G. GRCh37 (hg19) VCF-style: chr10-102510453-A-G.
Other names: c.308A>G, p.Tyr103Cys (NM_001304569.2); c.215A>G, p.Tyr72Cys (NM_003987.5, NM_003988.5, NM_003989.5 and 1 more transcripts); short protein forms Y103C, Y72C.
Identifiers: ClinVar variation 5042565 (VCV005042565.1).
Genomic context (GRCh38, chr10:100,750,696, plus strand): 5'-GCCCCCCTGCCCCGCCACAGTCCGCTTCTGGCTGACCCCGCCGGCTTTCCCGGCGCAGGT[A>G]CTACGAGACCGGCAGCATCAAGCCGGGTGTGATCGGTGGCTCCAAGCCCAAAGTGGCGAC-3'
Protein context (NP_000269.3, residues 62-82): HGCVSKILGR[Tyr72Cys]YETGSIKPGV